The following is an entry in ClinVar:

ClinVar aggregate classification (germline): Uncertain significance (1 of 4 stars; one submission).

Conditions:
Early Myoclonic Encephalopathy. Identifiers: MedGen C0270855.

Allele frequency attached by ClinVar (database versions not stated): gnomAD 0.00001; TOPMed 0.00001; gnomAD exomes below 0.00001.
gnomAD v4.1: 4 of 1,614,054 alleles (0.00025%); highest among the groups gnomAD compares: African/African-American, 0.0027%; no homozygotes.

Submission:

Labcorp Genetics (formerly Invitae), Labcorp
Classification: Uncertain significance for Early Myoclonic Encephalopathy. Last evaluated: 2022-09-27. Review status: criteria provided, single submitter. Criteria: Invitae Variant Classification Sherloc (09022015). Collection method: clinical testing. Allele origin: germline.
Comment: In summary, the available evidence is currently insufficient to determine the role of this variant in disease. Therefore, it has been classified as a Variant of Uncertain Significance. Advanced modeling of protein sequence and biophysical properties (such as structural, functional, and spatial information, amino acid conservation, physicochemical variation, residue mobility, and thermodynamic stability) performed at Invitae indicates that this missense variant is not expected to disrupt JMJD1C protein function. This variant has not been reported in the literature in individuals affected with JMJD1C-related conditions. This variant is present in population databases (no rsID available, gnomAD 0.06%). This sequence change replaces threonine, which is neutral and polar, with alanine, which is neutral and non-polar, at codon 516 of the JMJD1C protein (p.Thr516Ala).

NM_032776.3(JMJD1C):c.1546A>G (p.Thr516Ala)

Gene: JMJD1C (jumonji domain containing 1C; minus strand). Cytogenetic location: 10q21.3.
Variant type: single nucleotide variant.
Coding change: c.1546A>G on transcript NM_032776.3 (MANE Select); coding-DNA position 1546, A replaced by G.
Protein change: p.Thr516Ala; replaces threonine 516 with alanine.
Molecular consequence: missense variant. On other transcripts: non-coding transcript variant (1).
Genome position (GRCh38, 1-based): chr10:63,214,621, T>C on the plus strand (A>G on the coding strand, the complement: JMJD1C is on the minus strand). VCF-style: chr10-63214621-T-C. GRCh37 (hg19) VCF-style: chr10-64974381-T-C.
Other names: c.1000A>G, p.Thr334Ala (NM_001282948.2, NM_001318154.2); c.682A>G, p.Thr228Ala (NM_001318153.2); c.1432A>G, p.Thr478Ala (NM_001322252.2); c.889A>G, p.Thr297Ala (NM_001322254.2, NM_001322258.2); short protein forms T478A, T334A, T228A, T297A, T516A.
Identifiers: ClinVar variation 2121986 (VCV002121986.4), dbSNP rs1289143557, ClinGen allele CA377048814.